The following is an entry in ClinVar:

NM_007294.4(BRCA1):c.4623G>C (p.Glu1541Asp)

Gene: BRCA1 (BRCA1 DNA repair associated; minus strand). Cytogenetic location: 17q21.31.
Variant type: single nucleotide variant.
Coding change: c.4623G>C on transcript NM_007294.4 (MANE Select); coding-DNA position 4623, G replaced by C.
Protein change: p.Glu1541Asp; replaces glutamic acid 1541 with aspartic acid.
Molecular consequence: missense variant. On other transcripts: non-coding transcript variant (1).
Genome position (GRCh38, 1-based): chr17:43,074,383, C>G on the plus strand (G>C on the coding strand, the complement: BRCA1 is on the minus strand). VCF-style: chr17-43074383-C-G. GRCh37 (hg19) VCF-style: chr17-41226400-C-G.
Other names: c.4410G>C, p.Glu1470Asp (NM_001407571.1, NM_001407894.1, NM_001407895.1 and 12 more transcripts); c.4689G>C, p.Glu1563Asp (NM_001407581.1, NM_001407582.1); c.4686G>C, p.Glu1562Asp (NM_001407583.1, NM_001407585.1, NM_001407587.1 and 1 more transcripts); c.4683G>C, p.Glu1561Asp (NM_001407590.1, NM_001407591.1); c.4623G>C, p.Glu1541Asp (NM_001407593.1, NM_001407594.1, NM_001407596.1 and 8 more transcripts); c.4620G>C, p.Glu1540Asp (NM_001407610.1, NM_001407611.1, NM_001407612.1 and 17 more transcripts); c.4617G>C, p.Glu1539Asp (NM_001407627.1, NM_001407628.1, NM_001407629.1 and 14 more transcripts); c.4614G>C, p.Glu1538Asp (NM_001407644.1, NM_001407645.1); and 68 more; short protein forms E1412D, E1492D, E1497D, E1513D, E1538D, E1539D, E324D, E349D.
Identifiers: ClinVar variation 1741973 (VCV001741973.2), dbSNP rs2153999217, ClinGen allele CA10592264.

ClinVar aggregate classification (germline): Uncertain significance (1 of 4 stars; one submission).

Conditions:
Hereditary cancer-predisposing syndrome. Also called: Hereditary Cancer Syndrome; Hereditary neoplastic syndrome; Neoplastic Syndromes, Hereditary; Tumor predisposition. Identifiers: Orphanet 140162, MedGen C0027672, MeSH D009386, MONDO:0015356.

Submission:

Ambry Genetics
Classification: Uncertain significance for Hereditary cancer-predisposing syndrome. Last evaluated: 2020-11-09. Review status: criteria provided, single submitter. Criteria: Ambry Variant Classification Scheme 2023. Collection method: clinical testing. Allele origin: germline.
Comment: The p.E1541D variant (also known as c.4623G>C), located in coding exon 13 of the BRCA1 gene, results from a G to C substitution at nucleotide position 4623. The glutamic acid at codon 1541 is replaced by aspartic acid, an amino acid with highly similar properties. This amino acid position is poorly conserved in available vertebrate species. In addition, the in silico prediction for this alteration is inconclusive. Since supporting evidence is limited at this time, the clinical significance of this alteration remains unclear.